The following is an entry in ClinVar:

NM_000492.4(CFTR):c.173A>T (p.Asp58Val)

Genes: CFTR (CF transmembrane conductance regulator; plus strand), LOC113664106 (CFTR intron 2 DNase I hypersensitive site; plus strand). Cytogenetic location: 7q31.2.
Variant type: single nucleotide variant.
Coding change: c.173A>T on transcript NM_000492.4 (MANE Select); coding-DNA position 173, A replaced by T.
Protein change: p.Asp58Val; replaces aspartic acid 58 with valine.
Molecular consequence: missense variant.
Genome position (GRCh38, 1-based): chr7:117,509,042, A>T. VCF-style: chr7-117509042-A-T. GRCh37 (hg19) VCF-style: chr7-117149096-A-T.
Other names: short protein forms D58V.
Identifiers: ClinVar variation 1779156 (VCV001779156.3), dbSNP rs397508291, ClinGen allele CA4450663.

ClinVar aggregate classification (germline): Uncertain significance. Review status: criteria provided, multiple submitters, no conflicts (2 of 4 stars). 2 submissions from 2 submitters: Uncertain significance (2). Last evaluated 2025-09-05.

Conditions:
Cystic fibrosis (CF). Also called: MUCOVISCIDOSIS. Identifiers: Orphanet 586, MedGen C0010674, MONDO:0009061, OMIM 219700. Disease mechanism: loss of function.

Allele frequency attached by ClinVar (database versions not stated): ExAC 0.00001.
gnomAD v4.1: 1 of 1,605,164 alleles (0.000062%); highest among the groups gnomAD compares: Non-Finnish European, 0.000085%; no homozygotes.

Submissions (2):

Johns Hopkins Genomics, Johns Hopkins University
Classification: Uncertain significance for Cystic fibrosis. Last evaluated: 2025-09-05. Review status: criteria provided, single submitter. Criteria: ACMG Guidelines, 2015. Collection method: clinical testing. Allele origin: germline.
Comment: This CFTR missense variant (rs397508291) is rare (<0.1%) in a large population dataset (gnomADv4.1.0: 1/1605164 total alleles; 0.00006%; no homozygotes) and has been reported in ClinVar (Variation ID: 1779156). It has not been reported in the literature in individuals diagnosed with cystic fibrosis, to our knowledge. A single functional study demonstrates that this variant decreases CFTR function (28% of wild type), although not to the level observed for CF-causing variants (<10% wild type function). We consider the clinical significance of CFTR c.173A>T to be uncertain at this time, although it is unlikely to be CF-causing and may be associated with varying clinical consequence (VCC).

Ambry Genetics
Classification: Uncertain significance for Cystic fibrosis. Last evaluated: 2023-11-23. Review status: criteria provided, single submitter. Criteria: Ambry Variant Classification Scheme 2023. Collection method: clinical testing. Allele origin: germline.
Comment: The p.D58V variant (also known as c.173A>T), located in coding exon 3 of the CFTR gene, results from an A to T substitution at nucleotide position 173. The aspartic acid at codon 58 is replaced by valine, an amino acid with highly dissimilar properties. This amino acid position is conserved. In addition, this alteration is predicted to be deleterious by in silico analysis. Since supporting evidence is limited at this time, the clinical significance of this alteration remains unclear.

Literature cited by the submitters: PubMed 38388235 (cited by Johns Hopkins Genomics, Johns Hopkins University).